The following is an entry in ClinVar:

NM_017636.4(TRPM4):c.194C>T (p.Ala65Val)

Gene: TRPM4 (transient receptor potential cation channel subfamily M member 4; plus strand). Cytogenetic location: 19q13.33.
Variant type: single nucleotide variant.
Coding change: c.194C>T on transcript NM_017636.4 (MANE Select); coding-DNA position 194, C replaced by T.
Protein change: p.Ala65Val; replaces alanine 65 with valine.
Molecular consequence: missense variant. On other transcripts: 5 prime UTR variant (1), intron variant (2).
Genome position (GRCh38, 1-based): chr19:49,166,142, C>T. VCF-style: chr19-49166142-C-T. GRCh37 (hg19) VCF-style: chr19-49669399-C-T.
Other names: c.194C>T, p.Ala65Val (NM_001195227.2, NM_001321281.2); c.-1179C>T (NM_001321282.2); c.-74-2118C>T (NM_001321283.2); c.-237-2411C>T (NM_001321285.2); short protein forms A65V.
Identifiers: ClinVar variation 572540 (VCV000572540.8), dbSNP rs1317191952, ClinGen allele CA406789550.
Genomic context (GRCh38, chr19:49,166,142, plus strand): 5'-CCGCAGTGGCCATGGAGGATGCCTTCGGGGCAGCCGTGGTGACCGTGTGGGACAGCGATG[C>T]ACACACCACGGAGAAGCCCACCGATGCCTACGGAGAGCTGGACTTCACGGGGGCCGGCCG-3'
Protein context (NP_060106.2, residues 55-75): AAVVTVWDSD[Ala65Val]HTTEKPTDAY

ClinVar aggregate classification (germline): Uncertain significance (1 of 4 stars; one submission).

Conditions:
Progressive familial heart block type IB (PFHB1B). Identifiers: Orphanet 871, MedGen C1970298, MONDO:0011474, OMIM 604559.

Allele frequency attached by ClinVar (database versions not stated): gnomAD exomes below 0.00001.
gnomAD v4.1: 1 of 1,608,126 alleles (0.000062%); highest among the groups gnomAD compares: Non-Finnish European, 0.000085%; no homozygotes.

Submission:

Labcorp Genetics (formerly Invitae), Labcorp
Classification: Uncertain significance for Progressive familial heart block type IB. Last evaluated: 2023-05-09. Review status: criteria provided, single submitter. Criteria: Invitae Variant Classification Sherloc (09022015). Collection method: clinical testing. Allele origin: germline.
Comment: This sequence change replaces alanine, which is neutral and non-polar, with valine, which is neutral and non-polar, at codon 65 of the TRPM4 protein (p.Ala65Val). This variant is not present in population databases (gnomAD no frequency). This variant has not been reported in the literature in individuals affected with TRPM4-related conditions. ClinVar contains an entry for this variant (Variation ID: 572540). Algorithms developed to predict the effect of missense changes on protein structure and function output the following: SIFT: "Not Available"; PolyPhen-2: "Benign"; Align-GVGD: "Not Available". The valine amino acid residue is found in multiple mammalian species, which suggests that this missense change does not adversely affect protein function. In summary, the available evidence is currently insufficient to determine the role of this variant in disease. Therefore, it has been classified as a Variant of Uncertain Significance.